The following is an entry in ClinVar:

NM_018941.4(CLN8):c.15C>G (p.Ser5Arg)

Gene: CLN8 (CLN8 transmembrane ER and ERGIC protein; plus strand). Cytogenetic location: 8p23.3.
Variant type: single nucleotide variant.
Coding change: c.15C>G on transcript NM_018941.4 (MANE Select); coding-DNA position 15, C replaced by G.
Protein change: p.Ser5Arg; replaces serine 5 with arginine.
Molecular consequence: missense variant.
Genome position (GRCh38, 1-based): chr8:1,771,069, C>G. VCF-style: chr8-1771069-C-G. GRCh37 (hg19) VCF-style: chr8-1719235-C-G.
Other names: short protein forms S5R.
Identifiers: ClinVar variation 1506915 (VCV001506915.7), dbSNP rs374597781, ClinGen allele CA369952711.

ClinVar aggregate classification (germline): Uncertain significance (1 of 4 stars; one submission).

Conditions:
Neuronal ceroid lipofuscinosis. Also called: Neuronal Ceroid Lipofuscinoses. Identifiers: Orphanet 216, Orphanet 79263, MedGen C0027877, MONDO:0016295. Disease mechanism: loss of function.

Submission:

Labcorp Genetics (formerly Invitae), Labcorp
Classification: Uncertain significance for Neuronal ceroid lipofuscinosis. Last evaluated: 2021-10-14. Review status: criteria provided, single submitter. Criteria: Invitae Variant Classification Sherloc (09022015). Collection method: clinical testing. Allele origin: germline.
Comment: In summary, the available evidence is currently insufficient to determine the role of this variant in disease. Therefore, it has been classified as a Variant of Uncertain Significance. Advanced modeling of protein sequence and biophysical properties (such as structural, functional, and spatial information, amino acid conservation, physicochemical variation, residue mobility, and thermodynamic stability) performed at Invitae indicates that this missense variant is not expected to disrupt CLN8 protein function. This variant has not been reported in the literature in individuals affected with CLN8-related conditions. This variant is not present in population databases (ExAC no frequency). This sequence change replaces serine with arginine at codon 5 of the CLN8 protein (p.Ser5Arg). The serine residue is moderately conserved and there is a moderate physicochemical difference between serine and arginine.